The following is an entry in ClinVar:

ClinVar aggregate classification (germline): Pathogenic/Likely pathogenic. Review status: criteria provided, multiple submitters, no conflicts (2 of 4 stars). 8 submissions from 8 submitters: Pathogenic (6); Likely pathogenic (1). 1 of the submissions does not count toward it. Last evaluated 2026-02-18.

Conditions:
Mitochondrial DNA depletion syndrome. Also called: mitochondrial DNA depletion. Identifiers: Orphanet 35698, MedGen C0342782, MONDO:0018158.
Mitochondrial disease. Also called: Mitochondrial disorder; Mitochondrial disorders. Identifiers: Orphanet 68380, MedGen C0751651, MeSH D028361, MONDO:0044970.
Mitochondrial DNA depletion syndrome, myopathic form (MTDPS2). Also called: MITOCHONDRIAL DNA DEPLETION SYNDROME 2 (MYOPATHIC TYPE); MITOCHONDRIAL DNA DEPLETION MYOPATHY, TK2-RELATED; TK2-Related Mitochondrial DNA Maintenance Defect, Myopathic Form. Identifiers: Orphanet 254875, MedGen C3149750, MONDO:0012301, OMIM 609560.

Allele frequency attached by ClinVar (database versions not stated): ExAC 0.00007; gnomAD 0.00007 and 0.00008; gnomAD exomes 0.00008 and 0.00003; TOPMed below 0.00001.

Submissions (8):

Dasa
Classification: Likely pathogenic. Last evaluated: 2026-02-18. Review status: criteria provided, single submitter. Criteria: DASA Assertion Criteria. Collection method: clinical testing. Allele origin: germline.
Comment: NM_004614.5(TK2):c.388C>T (p.Arg130Trp) is a missense variant that results in the substitution of arginine with tryptophan. The affected residue or protein region has prior evidence supporting clinical relevance. This variant has been recurrently observed in individuals with TK2-related disorders (PMID: 20083405; PMID: 34973561; PMID: 31060578). Functional evidence supports an impact on the gene or gene product (PMID: 20083405; PMID: 34973561; PMID: 31060578). Also, this variant is rare in population databases. Based on the currently available evidence, this variant is classified as likely pathogenic.

Genomenon, Inc
Classification: Pathogenic for Mitochondrial disease. Last evaluated: 2025-11-24. Review status: criteria provided, single submitter. Criteria: Genomenon Sequence Variant Interpretation Standards - Updated. Collection method: curation. Allele origin: germline. Affected: yes.
Comment: TK2 p.Arg130Trp (c.388C>T) is a missense variant that changes the amino acid at residue 130 from Arginine to Tryptophan. It is also described as R172W in the literature. This variant has been observed in multiple probands affected with mitochondrial disease in both the homozygous and compound heterozygous state, with a pathogenic or likely pathogenic variant confirmed in trans in at least one proband (34973561, 31060578, 29602790, 18819985). TK2 Arg130Trp was found to segregate with disease in an affected family (18819985). Functional studies have been reported (20391188, 20083405). This variant is not present at a significant frequency in gnomAD and in silico models agree that this variant is possibly or probably damaging. In conclusion, we classify TK2 p.Arg130Trp (c.388C>T) as a pathogenic variant.

Women's Health and Genetics/Laboratory Corporation of America, LabCorp
Classification: Pathogenic for Mitochondrial DNA depletion syndrome. Last evaluated: 2024-11-13. Review status: criteria provided, single submitter. Criteria: LabCorp Variant Classification Summary - May 2015. Collection method: clinical testing. Allele origin: germline.
Comment: Variant summary: TK2 c.388C>T (p.Arg130Trp) results in a non-conservative amino acid change located in the Deoxynucleoside kinase domain (IPR031314) of the encoded protein sequence. Five of five in-silico tools predict a damaging effect of the variant on protein function. The variant allele was found at a frequency of 7.6e-05 in 251236 control chromosomes (gnomAD). This frequency is not significantly higher than estimated for a pathogenic variant in TK2 causing Mitochondrial DNA Depletion Syndrome - TK2 Related (7.6e-05 vs 0.0011), allowing no conclusion about variant significance. c.388C>T has been reported in the literature in multiple individuals affected with Mitochondrial DNA Depletion Syndrome - TK2 Related (e.g. Lesko_2010, Garone_2018). These data indicate that the variant is very likely to be associated with disease. At least one publication reports experimental evidence evaluating an impact on protein function, finding that the variant results in <4% of normal activity (Lesko_2010). The following publications have been ascertained in the context of this evaluation (PMID: 20083405, 29602790). ClinVar contains an entry for this variant (Variation ID: 38988). Based on the evidence outlined above, the variant was classified as pathogenic.

GeneDx
Classification: Pathogenic. Last evaluated: 2024-04-16. Review status: criteria provided, single submitter. Criteria: GeneDx Variant Classification Process June 2021. Collection method: clinical testing. Allele origin: germline. Affected: yes.
Comment: Published functional studies found this variant is associated with significantly reduced enzyme activity (PMID: 20083405); In silico analysis supports that this missense variant has a deleterious effect on protein structure/function; Also known as p.(R172W); This variant is associated with the following publications: (PMID: 20083405, 18819985, no PMID, 31060578, 29602790, 23230576, 32827528, 34426522, 31589614, 34973561)

Labcorp Genetics (formerly Invitae), Labcorp
Classification: Pathogenic. Last evaluated: 2024-04-15. Review status: criteria provided, single submitter. Criteria: Invitae Variant Classification Sherloc (09022015). Collection method: clinical testing. Allele origin: germline.
Comment: This sequence change replaces arginine, which is basic and polar, with tryptophan, which is neutral and slightly polar, at codon 130 of the TK2 protein (p.Arg130Trp). This variant is present in population databases (rs281865493, gnomAD 0.08%). This missense change has been observed in individual(s) with mitochondrial DNA depletion syndrome (PMID: 20083405, 29602790). In at least one individual the data is consistent with being in trans (on the opposite chromosome) from a pathogenic variant. ClinVar contains an entry for this variant (Variation ID: 38988). Advanced modeling of protein sequence and biophysical properties (such as structural, functional, and spatial information, amino acid conservation, physicochemical variation, residue mobility, and thermodynamic stability) performed at Invitae indicates that this missense variant is expected to disrupt TK2 protein function with a positive predictive value of 80%. Experimental studies have shown that this missense change affects TK2 function (PMID: 20083405). For these reasons, this variant has been classified as Pathogenic.

Genomic Medicine Center of Excellence, King Faisal Specialist Hospital and Research Centre
Classification: Pathogenic for Mitochondrial DNA depletion syndrome, myopathic form. Last evaluated: 2024-04-04. Review status: criteria provided, single submitter. Criteria: ACMG Guidelines, 2015. Collection method: clinical testing. Allele origin: germline.

Institute of Medical Genetics and Applied Genomics, University Hospital Tübingen
Classification: Pathogenic. Last evaluated: 2020-10-23. Review status: criteria provided, single submitter. Criteria: ACMG Guidelines, 2015. Collection method: clinical testing. Allele origin: germline. Inheritance: Autosomal recessive inheritance. Affected: yes.

GeneReviews
No classification provided. Condition: Mitochondrial DNA depletion syndrome, myopathic form. Review status: no classification provided. Collection method: literature only. Allele origin: germline. Not counted in ClinVar's aggregate classification.

Literature cited by the submitters: PubMed 20083405 (cited by 4 submitters); PubMed 34973561 (cited by Dasa); PubMed 31060578 (cited by Dasa); PubMed 18819985 (cited by Genomenon, Inc); PubMed 20391188 (cited by Genomenon, Inc); PubMed 29602790 (cited by Women's Health and Genetics/Laboratory Corporation of America, LabCorp and Labcorp Genetics (formerly Invitae), Labcorp).

NM_004614.5(TK2):c.388C>T (p.Arg130Trp)

Gene: TK2 (thymidine kinase 2; minus strand). Cytogenetic location: 16q21.
Variant type: single nucleotide variant.
Coding change: c.388C>T on transcript NM_004614.5 (MANE Select); coding-DNA position 388, C replaced by T.
Protein change: p.Arg130Trp; replaces arginine 130 with tryptophan.
Molecular consequence: missense variant. On other transcripts: non-coding transcript variant (1).
Genome position (GRCh38, 1-based): chr16:66,529,055, G>A on the plus strand (C>T on the coding strand, the complement: TK2 is on the minus strand). VCF-style: chr16-66529055-G-A. GRCh37 (hg19) VCF-style: chr16-66562958-G-A.
Other names: c.295C>T, p.Arg99Trp (NM_001172643.1, NM_001271935.1); c.313C>T, p.Arg105Trp (NM_001172644.2); c.334C>T, p.Arg112Trp (NM_001172645.2); c.241C>T, p.Arg81Trp (NM_001271934.2); c.97C>T, p.Arg33Trp (NM_001272050.2); short protein forms R130W, R105W, R81W, R99W, R112W, R33W.
Identifiers: ClinVar variation 38988 (VCV000038988.22), dbSNP rs281865493, ClinGen allele CA343307.